The following is an entry in ClinVar:

ClinVar aggregate classification (germline): Uncertain significance (1 of 4 stars; one submission).

Conditions:
Perlman syndrome (PRLMNS). Identifiers: Orphanet 2849, MedGen C0796113, MONDO:0009965, OMIM 267000.

gnomAD v4.1: 3 of 1,614,002 alleles (0.00019%); highest among the groups gnomAD compares: Admixed American, 0.005%; no homozygotes.

Submission:

Labcorp Genetics (formerly Invitae), Labcorp
Classification: Uncertain significance for Perlman syndrome. Last evaluated: 2025-10-15. Review status: criteria provided, single submitter. Criteria: Invitae Variant Classification Sherloc (09022015). Collection method: clinical testing. Allele origin: germline.
Comment: This sequence change replaces aspartic acid, which is acidic and polar, with valine, which is neutral and non-polar, at codon 220 of the DIS3L2 protein (p.Asp220Val). This variant is present in population databases (rs760490430, gnomAD 0.009%). This variant has not been reported in the literature in individuals affected with DIS3L2-related conditions. ClinVar contains an entry for this variant (Variation ID: 1378250). An algorithm developed to predict the effect of missense changes on protein structure and function (PolyPhen-2) suggests that this variant is likely to be tolerated. In summary, the available evidence is currently insufficient to determine the role of this variant in disease. Therefore, it has been classified as a Variant of Uncertain Significance.

NM_152383.5(DIS3L2):c.659A>T (p.Asp220Val)

Gene: DIS3L2 (DIS3 like 3'-5' exoribonuclease 2; plus strand). Cytogenetic location: 2q37.1.
Variant type: single nucleotide variant.
Coding change: c.659A>T on transcript NM_152383.5 (MANE Select); coding-DNA position 659, A replaced by T.
Protein change: p.Asp220Val; replaces aspartic acid 220 with valine.
Molecular consequence: missense variant. On other transcripts: non-coding transcript variant (2).
Genome position (GRCh38, 1-based): chr2:232,130,676, A>T. VCF-style: chr2-232130676-A-T. GRCh37 (hg19) VCF-style: chr2-232995386-A-T.
Other names: c.659A>T, p.Asp220Val (NM_001257281.2, NM_001257282.2); short protein forms D220V.
Identifiers: ClinVar variation 1378250 (VCV001378250.8), dbSNP rs760490430, ClinGen allele CA2163887.
Genomic context (GRCh38, chr2:232,130,676, plus strand): 5'-TAGGAAGAGAGGATGGTGATGCACCGGTTACAAAAGATGAGACCACCTGCATTTCACAAG[A>T]CACAAGAGCTTTATCGGAGAAATCCCTGCAAAGATCAGCAAAGGTCATTGCCTACAGATT-3'
Protein context (NP_689596.4, residues 210-230): TKDETTCISQ[Asp220Val]TRALSEKSLQ